The following is an entry in ClinVar:

NM_000632.4(ITGAM):c.707G>A (p.Arg236Gln)

Genes: ITGAM (integrin subunit alpha M; plus strand), LOC126862332 (BRD4-independent group 4 enhancer GRCh37_chr16:31284654-31285853; plus strand). Cytogenetic location: 16p11.2.
Variant type: single nucleotide variant.
Coding change: c.707G>A on transcript NM_000632.4 (MANE Select); coding-DNA position 707, G replaced by A.
Protein change: p.Arg236Gln; replaces arginine 236 with glutamine.
Molecular consequence: missense variant.
Genome position (GRCh38, 1-based): chr16:31,273,367, G>A. VCF-style: chr16-31273367-G-A. GRCh37 (hg19) VCF-style: chr16-31284688-G-A.
Other names: c.707G>A, p.Arg236Gln (NM_001145808.2); short protein forms R236Q.
Identifiers: ClinVar variation 3617692 (VCV003617692.2).
Genomic context (GRCh38, chr16:31,273,367, plus strand): 5'-AAAAAACTAGTGTGTCATCTACTTGCATTTGACTTTGTCCCTCCTGTTTCCTGCACAGAC[G>A]AGAGCTGTTTAACATCACCAACGGAGCCCGAAAGAATGCCTTTAAGATCCTAGTTGTCAT-3'
Protein context (NP_000623.2, residues 226-246): HTATGIRKVV[Arg236Gln]ELFNITNGAR

ClinVar aggregate classification (germline): Uncertain significance (1 of 4 stars; one submission).

gnomAD v4.1: 12 of 1,612,948 alleles (0.00074%); highest among the groups gnomAD compares: African/African-American, 0.0013%; no homozygotes.

Submission:

Labcorp Genetics (formerly Invitae), Labcorp
Classification: Uncertain significance. Last evaluated: 2025-12-02. Review status: criteria provided, single submitter. Criteria: Invitae Variant Classification Sherloc (09022015). Collection method: clinical testing. Allele origin: germline.
Comment: This sequence change replaces arginine, which is basic and polar, with glutamine, which is neutral and polar, at codon 236 of the ITGAM protein (p.Arg236Gln). This variant is present in population databases (rs763853990, gnomAD 0.006%). This variant has not been reported in the literature in individuals affected with ITGAM-related conditions. ClinVar contains an entry for this variant (Variation ID: 3617692). An algorithm developed to predict the effect of missense changes on protein structure and function outputs the following: PolyPhen-2: "Benign". The glutamine amino acid residue is found in multiple mammalian species, which suggests that this missense change does not adversely affect protein function. In summary, the available evidence is currently insufficient to determine the role of this variant in disease. Therefore, it has been classified as a Variant of Uncertain Significance.